The following is an entry in ClinVar:

NM_005055.5(RAPSN):c.671G>A (p.Ser224Asn)

Gene: RAPSN (receptor associated protein of the synapse; minus strand). Cytogenetic location: 11p11.2.
Variant type: single nucleotide variant.
Coding change: c.671G>A on transcript NM_005055.5 (MANE Select); coding-DNA position 671, G replaced by A.
Protein change: p.Ser224Asn; replaces serine 224 with asparagine.
Molecular consequence: missense variant.
Genome position (GRCh38, 1-based): chr11:47,442,675, C>T on the plus strand (G>A on the coding strand, the complement: RAPSN is on the minus strand). VCF-style: chr11-47442675-C-T. GRCh37 (hg19) VCF-style: chr11-47464227-C-T.
Other names: c.671G>A, p.Ser224Asn (NM_032645.5); short protein forms S224N.
Identifiers: ClinVar variation 1955675 (VCV001955675.5), dbSNP rs2496106682, ClinGen allele CA380331682.

ClinVar aggregate classification (germline): Uncertain significance (1 of 4 stars; one submission).

Conditions:
Congenital myasthenic syndrome 11. Also called: Myasthenic syndrome, congenital, 11, associated with acetylcholine receptor deficiency; MYASTHENIC SYNDROME, CONGENITAL, Ie. Identifiers: Orphanet 590, MedGen C4225367, MONDO:0014588, OMIM 616326.
Fetal akinesia deformation sequence 1 (FADS1). Also called: Pena-Shokeir syndrome type I; Fetal akinesia sequence. Identifiers: Orphanet 994, MedGen C1276035, MONDO:0100101, OMIM 208150, HP:0001989.

Submission:

Labcorp Genetics (formerly Invitae), Labcorp
Classification: Uncertain significance for Congenital myasthenic syndrome 11; Fetal akinesia deformation sequence 1. Last evaluated: 2022-06-01. Review status: criteria provided, single submitter. Criteria: Invitae Variant Classification Sherloc (09022015). Collection method: clinical testing. Allele origin: germline.
Comment: In summary, the available evidence is currently insufficient to determine the role of this variant in disease. Therefore, it has been classified as a Variant of Uncertain Significance. Algorithms developed to predict the effect of missense changes on protein structure and function (SIFT, PolyPhen-2, Align-GVGD) all suggest that this variant is likely to be tolerated. This variant has not been reported in the literature in individuals affected with RAPSN-related conditions. This variant is not present in population databases (gnomAD no frequency). This sequence change replaces serine, which is neutral and polar, with asparagine, which is neutral and polar, at codon 224 of the RAPSN protein (p.Ser224Asn).